The following is an entry in ClinVar:

ClinVar aggregate classification (germline): Uncertain significance (1 of 4 stars; one submission).

Conditions:
Developmental and epileptic encephalopathy 94 (DEE94). Also called: CHD2-Related Neurodevelopmental Disorders; Epileptic encephalopathy, childhood-onset. Identifiers: Orphanet 1942, Orphanet 2382, MedGen C3809278, MONDO:0014150, OMIM 615369.

Submission:

Labcorp Genetics (formerly Invitae), Labcorp
Classification: Uncertain significance for Developmental and epileptic encephalopathy 94. Last evaluated: 2024-04-16. Review status: criteria provided, single submitter. Criteria: Invitae Variant Classification Sherloc (09022015). Collection method: clinical testing. Allele origin: germline.
Comment: This sequence change falls in intron 20 of the CHD2 gene. It does not directly change the encoded amino acid sequence of the CHD2 protein. It affects a nucleotide within the consensus splice site. This variant is not present in population databases (gnomAD no frequency). This variant has not been reported in the literature in individuals affected with CHD2-related conditions. Variants that disrupt the consensus splice site are a relatively common cause of aberrant splicing (PMID: 17576681, 9536098). Algorithms developed to predict the effect of sequence changes on RNA splicing suggest that this variant is not likely to affect RNA splicing. In summary, the available evidence is currently insufficient to determine the role of this variant in disease. Therefore, it has been classified as a Variant of Uncertain Significance.

Literature cited by the submitters: PubMed 17576681; PubMed 9536098.

NM_001271.4(CHD2):c.2577+4del

Gene: CHD2 (chromodomain helicase DNA binding protein 2; plus strand). Cytogenetic location: 15q26.1.
Variant type: Deletion.
Coding change: c.2577+4del on transcript NM_001271.4 (MANE Select); 4 bases into the intron after coding-DNA position 2577, one base deleted (T; older notation c.2577+4delT).
Molecular consequence: intron variant.
Genome position (GRCh38, 1-based): chr15:92,974,954, T deleted. VCF-style (leftmost placement, unchanged base first): chr15-92974953-AT-A. GRCh37 (hg19) VCF-style: chr15-93518183-AT-A.
Identifiers: ClinVar variation 3627399 (VCV003627399.2).